The following is an entry in ClinVar:

ClinVar aggregate classification (germline): Uncertain significance (1 of 4 stars; one submission).

Conditions:
Multiple sulfatase deficiency (MSD). Also called: Mucosulfatidosis; Multiple Sulfatase Deficiency Disease; Sulfatidosis, Juvenile, Austin Type. Identifiers: Orphanet 585, MedGen C0268263, MONDO:0010088, OMIM 272200.

Submission:

Labcorp Genetics (formerly Invitae), Labcorp
Classification: Uncertain significance for Multiple sulfatase deficiency. Last evaluated: 2022-09-23. Review status: criteria provided, single submitter. Criteria: Invitae Variant Classification Sherloc (09022015). Collection method: clinical testing. Allele origin: germline.
Comment: Experimental studies and prediction algorithms are not available or were not evaluated, and the functional significance of this variant is currently unknown. In summary, the available evidence is currently insufficient to determine the role of this variant in disease. Therefore, it has been classified as a Variant of Uncertain Significance. This variant has not been reported in the literature in individuals affected with SUMF1-related conditions. This variant results in a copy number gain of the genomic region encompassing exon(s) 3-9 of the SUMF1 gene. This region includes the termination codon of the gene. This copy number gain extends beyond the assayed region for this gene and therefore may encompass additional genes. As the precise location of this event is unknown, it may be in tandem or it may be located elsewhere in the genome.

NC_000003.11:g.(?_4403828)_(4491044_?)dup

Gene: SUMF1 (sulfatase modifying factor 1; minus strand). Cytogenetic location: 3p26.1.
Variant type: Duplication.
Identifiers: ClinVar variation 2427595 (VCV002427595.4).